The following is an entry in ClinVar:

ClinVar aggregate classification (germline): Uncertain significance (1 of 4 stars; one submission).

Conditions:
Inborn genetic diseases. Identifiers: MedGen C0950123, MeSH D030342.

Submission:

Ambry Genetics
Classification: Uncertain significance for Inborn genetic diseases. Last evaluated: 2025-02-02. Review status: criteria provided, single submitter. Criteria: Ambry Variant Classification Scheme 2023. Collection method: clinical testing. Allele origin: germline.
Comment: The p.P762R variant (also known as c.2285C>G), located in coding exon 8 of the MECOM gene, results from a C to G substitution at nucleotide position 2285. The proline at codon 762 is replaced by arginine, an amino acid with dissimilar properties. This amino acid position is conserved. In addition, this alteration is predicted to be tolerated by in silico analysis. Based on the available evidence, the clinical significance of this variant remains unclear.

NM_004991.4(MECOM):c.2285C>G (p.Pro762Arg)

Gene: MECOM (MDS1 and EVI1 complex locus; minus strand). Cytogenetic location: 3q26.2.
Variant type: single nucleotide variant.
Coding change: c.2285C>G on transcript NM_004991.4 (MANE Select); coding-DNA position 2285, C replaced by G.
Protein change: p.Pro762Arg; replaces proline 762 with arginine.
Molecular consequence: missense variant.
Genome position (GRCh38, 1-based): chr3:169,115,587, G>C on the plus strand (C>G on the coding strand, the complement: MECOM is on the minus strand). VCF-style: chr3-169115587-G-C. GRCh37 (hg19) VCF-style: chr3-168833375-G-C.
Other names: c.1916C>G, p.Pro639Arg (NM_001105077.4); c.1721C>G, p.Pro574Arg (NM_001105078.4, NM_001164000.2, NM_001205194.2 and 4 more transcripts); c.1724C>G, p.Pro575Arg (NM_001163999.2, NM_001366467.2, NM_001366468.2 and 1 more transcripts); c.2285C>G, p.Pro762Arg (NM_001366466.2); c.1313C>G, p.Pro438Arg (NM_001366473.2); c.749C>G, p.Pro250Arg (NM_001366474.2); short protein forms P250R, P575R, P762R, P438R, P639R, P574R.
Identifiers: ClinVar variation 3871788 (VCV003871788.1).